The following is an entry in ClinVar:

ClinVar aggregate classification (germline): Likely pathogenic (1 of 4 stars; one submission).

Conditions:
Congenital contractural arachnodactyly (CCA). Also called: Arthrogryposis, distal, type 9; BEALS SYNDROME; Beals-Hecht syndrome. Identifiers: Orphanet 115, MedGen C0220668, MONDO:0007363, OMIM 121050.

Submission:

Labcorp Genetics (formerly Invitae), Labcorp
Classification: Likely pathogenic for Congenital contractural arachnodactyly. Last evaluated: 2023-03-23. Review status: criteria provided, single submitter. Criteria: Invitae Variant Classification Sherloc (09022015). Collection method: clinical testing. Allele origin: germline.
Comment: This sequence change replaces cysteine, which is neutral and slightly polar, with glycine, which is neutral and non-polar, at codon 1434 of the FBN2 protein (p.Cys1434Gly). This variant is not present in population databases (gnomAD no frequency). This variant has not been reported in the literature in individuals affected with FBN2-related conditions. ClinVar contains an entry for this variant (Variation ID: 2032858). Advanced modeling of protein sequence and biophysical properties (such as structural, functional, and spatial information, amino acid conservation, physicochemical variation, residue mobility, and thermodynamic stability) has been performed at Invitae for this missense variant, however the output from this modeling did not meet the statistical confidence thresholds required to predict the impact of this variant on FBN2 protein function. This variant affects a cysteine residue located within an epidermal growth factor (EGF)–like domain of the FBN2 protein. Cysteine residues in these domains are involved in the formation of disulfide bridges critical for protein structure and stability (PMID: 3495735, 4750422, 16677079). In addition, missense substitutions within the FBN2 EGF-like domains affecting cysteine residues are overrepresented in patients with congenital contractural arachnodactyly (PMID: 18767143). In summary, the currently available evidence indicates that the variant is pathogenic, but additional data are needed to prove that conclusively. Therefore, this variant has been classified as Likely Pathogenic.

Literature cited by the submitters: PubMed 3495735; PubMed 4750422; PubMed 16677079; PubMed 18767143.

NM_001999.4(FBN2):c.4300T>G (p.Cys1434Gly)

Gene: FBN2 (fibrillin 2; minus strand). Cytogenetic location: 5q23.3.
Variant type: single nucleotide variant.
Coding change: c.4300T>G on transcript NM_001999.4 (MANE Select); coding-DNA position 4300, T replaced by G.
Protein change: p.Cys1434Gly; replaces cysteine 1434 with glycine.
Molecular consequence: missense variant.
Genome position (GRCh38, 1-based): chr5:128,330,618, A>C on the plus strand (T>G on the coding strand, the complement: FBN2 is on the minus strand). VCF-style: chr5-128330618-A-C. GRCh37 (hg19) VCF-style: chr5-127666310-A-C.
Other names: short protein forms C1434G.
Identifiers: ClinVar variation 2032858 (VCV002032858.4), dbSNP rs2479786404, ClinGen allele CA360753982.